The following is an entry in ClinVar:

NM_001080449.3(DNA2):c.1388del (p.Asn463fs)

Gene: DNA2 (DNA replication helicase/nuclease 2; minus strand). Cytogenetic location: 10q21.3.
Variant type: Deletion.
Coding change: c.1388del on transcript NM_001080449.3 (MANE Select); coding-DNA position 1388, one base deleted (A; older notation c.1388delA).
Protein change: p.Asn463fs; shifts the reading frame from asparagine 463.
Molecular consequence: frameshift variant. On other transcripts: non-coding transcript variant (1).
Genome position (GRCh38, 1-based): chr10:68,442,944, T deleted on the plus strand (A on the coding strand, the reverse complement: DNA2 is on the minus strand); the first of 4 consecutive T bases (chr10:68,442,944-68,442,947); deleting any one gives the same sequence. VCF-style (leftmost placement, unchanged base first): chr10-68442943-AT-A. GRCh37 (hg19) VCF-style: chr10-70202700-AT-A.
Other names: c.1388delA (NM_001080449.3); short protein forms N463fs.
Identifiers: ClinVar variation 1492130 (VCV001492130.7), dbSNP rs2133398004, ClinGen allele CA2573145259.
Genomic context (GRCh38, chr10:68,442,943, plus strand): 5'-ACTGAAATCTTACTGTACTAAATGGACCACTTACATTTCCGAAGCAGGCATTAGCCAGAT[AT>A]TTTGGTGATTCTTTTTATTATCCTTCGATTGTGACTCCAGGGTTAACATTAGACACCAAA-3'

ClinVar aggregate classification (germline): Uncertain significance. Review status: criteria provided, multiple submitters, no conflicts (2 of 4 stars). 2 submissions from 2 submitters: Uncertain significance (2). Last evaluated 2024-06-20.

Submissions (2):

Women's Health and Genetics/Laboratory Corporation of America, LabCorp
Classification: Uncertain significance. Last evaluated: 2024-06-20. Review status: criteria provided, single submitter. Criteria: LabCorp Variant Classification Summary - May 2015. Collection method: clinical testing. Allele origin: germline.
Comment: Variant summary: DNA2 c.1388delA (p.Asn463IlefsX4) results in a premature termination codon, predicted to cause absence of the protein due to nonsense mediated decay, however current evidence is not sufficient to establish loss-of-function variants in DNA2 as causative of disease. The variant was absent in 247086 control chromosomes. The available data on variant occurrences in the general population are insufficient to allow any conclusion about variant significance. To our knowledge, no occurrence of c.1388delA in individuals affected with Progressive External Ophthalmoplegia With Mitochondrial DNA Deletions, Autosomal Dominant 6 and no experimental evidence demonstrating its impact on protein function have been reported. ClinVar contains an entry for this variant (Variation ID: 1492130). Based on the evidence outlined above, the variant was classified as uncertain significance.

Labcorp Genetics (formerly Invitae), Labcorp
Classification: Uncertain significance. Last evaluated: 2022-03-03. Review status: criteria provided, single submitter. Criteria: Invitae Variant Classification Sherloc (09022015). Collection method: clinical testing. Allele origin: germline.
Comment: In summary, the available evidence is currently insufficient to determine the role of this variant in disease. Therefore, it has been classified as a Variant of Uncertain Significance. This variant has not been reported in the literature in individuals affected with DNA2-related conditions. This variant is not present in population databases (gnomAD no frequency). This sequence change creates a premature translational stop signal (p.Asn463Ilefs*4) in the DNA2 gene. It is expected to result in an absent or disrupted protein product. However, the current clinical and genetic evidence is not sufficient to establish whether loss-of-function variants in DNA2 cause disease.